The following is an entry in ClinVar:

NM_000812.4(GABRB1):c.91C>T (p.Pro31Ser)

Gene: GABRB1 (gamma-aminobutyric acid type A receptor subunit beta1; plus strand). Cytogenetic location: 4p12.
Variant type: single nucleotide variant.
Coding change: c.91C>T on transcript NM_000812.4 (MANE Select); coding-DNA position 91, C replaced by T.
Protein change: p.Pro31Ser; replaces proline 31 with serine.
Molecular consequence: missense variant.
Genome position (GRCh38, 1-based): chr4:47,031,924, C>T. VCF-style: chr4-47031924-C-T. GRCh37 (hg19) VCF-style: chr4-47033941-C-T.
Other names: short protein forms P31S.
Identifiers: ClinVar variation 1495657 (VCV001495657.6), dbSNP rs772220562, ClinGen allele CA356805319.

ClinVar aggregate classification (germline): Uncertain significance (1 of 4 stars; one submission).

gnomAD v4.1: 1 of 1,613,712 alleles (0.000062%); no homozygotes.

Submission:

Labcorp Genetics (formerly Invitae), Labcorp
Classification: Uncertain significance. Last evaluated: 2023-02-14. Review status: criteria provided, single submitter. Criteria: Invitae Variant Classification Sherloc (09022015). Collection method: clinical testing. Allele origin: germline.
Comment: In summary, the available evidence is currently insufficient to determine the role of this variant in disease. Therefore, it has been classified as a Variant of Uncertain Significance. Algorithms developed to predict the effect of missense changes on protein structure and function are either unavailable or do not agree on the potential impact of this missense change (SIFT: "Deleterious"; PolyPhen-2: "Benign"; Align-GVGD: "Class C0"). ClinVar contains an entry for this variant (Variation ID: 1495657). This variant has not been reported in the literature in individuals affected with GABRB1-related conditions. This variant is present in population databases (no rsID available, gnomAD 0.0009%). This sequence change replaces proline, which is neutral and non-polar, with serine, which is neutral and polar, at codon 31 of the GABRB1 protein (p.Pro31Ser).